The following is an entry in ClinVar:

ClinVar aggregate classification (germline): Uncertain significance. Review status: criteria provided, multiple submitters, no conflicts (2 of 4 stars). 3 submissions from 3 submitters: Uncertain significance (3). Last evaluated 2025-12-18.

Conditions:
Inborn genetic diseases. Identifiers: MedGen C0950123, MeSH D030342.

gnomAD v4.1: 3 of 1,598,132 alleles (0.00019%); highest among the groups gnomAD compares: Non-Finnish European, 0.00026%; no homozygotes.

Submissions (3):

Women's Health and Genetics/Laboratory Corporation of America, LabCorp
Classification: Uncertain significance. Last evaluated: 2025-12-18. Review status: criteria provided, single submitter. Criteria: LabCorp Variant Classification Summary - May 2015. Collection method: clinical testing. Allele origin: germline.
Comment: Variant summary: SIN3A c.724G>A (p.Ala242Thr) results in a non-conservative amino acid change in the encoded protein sequence. Algorithms developed to predict the effect of missense changes on protein structure and function are either unavailable or do not agree on the potential impact of this missense change. The variant was absent in 242606 control chromosomes. The available data on variant occurrences in the general population are insufficient to allow any conclusion about variant significance. To our knowledge, no occurrence of c.724G>A in individuals affected with SIN3A-related conditions and no experimental evidence demonstrating its impact on protein function have been reported. ClinVar contains an entry for this variant (Variation ID: 3675303). Based on the evidence outlined above, the variant was classified as uncertain significance.

Ambry Genetics
Classification: Uncertain significance for Inborn genetic diseases. Last evaluated: 2025-08-29. Review status: criteria provided, single submitter. Criteria: Ambry Variant Classification Scheme 2023. Collection method: clinical testing. Allele origin: germline.

Labcorp Genetics (formerly Invitae), Labcorp
Classification: Uncertain significance. Last evaluated: 2024-09-10. Review status: criteria provided, single submitter. Criteria: Invitae Variant Classification Sherloc (09022015). Collection method: clinical testing. Allele origin: germline.
Comment: This sequence change replaces alanine, which is neutral and non-polar, with threonine, which is neutral and polar, at codon 242 of the SIN3A protein (p.Ala242Thr). This variant is not present in population databases (gnomAD no frequency). This variant has not been reported in the literature in individuals affected with SIN3A-related conditions. An algorithm developed to predict the effect of missense changes on protein structure and function outputs the following: PolyPhen-2: "Benign". The threonine amino acid residue is found in multiple mammalian species, which suggests that this missense change does not adversely affect protein function. In summary, the available evidence is currently insufficient to determine the role of this variant in disease. Therefore, it has been classified as a Variant of Uncertain Significance.

NM_001145358.2(SIN3A):c.724G>A (p.Ala242Thr)

Gene: SIN3A (SIN3 transcription regulator family member A; minus strand). Cytogenetic location: 15q24.2.
Variant type: single nucleotide variant.
Coding change: c.724G>A on transcript NM_001145358.2 (MANE Select); coding-DNA position 724, G replaced by A.
Protein change: p.Ala242Thr; replaces alanine 242 with threonine.
Molecular consequence: missense variant.
Genome position (GRCh38, 1-based): chr15:75,412,795, C>T on the plus strand (G>A on the coding strand, the complement: SIN3A is on the minus strand). VCF-style: chr15-75412795-C-T. GRCh37 (hg19) VCF-style: chr15-75705136-C-T.
Other names: c.724G>A, p.Ala242Thr (NM_001145357.2, NM_015477.3); c.724G>A (NM_001145358.1); short protein forms A242T.
Identifiers: ClinVar variation 3675303 (VCV003675303.3).